The following is an entry in ClinVar:

NM_004168.4(SDHA):c.1413C>T (p.Ile471=)

Gene: SDHA (succinate dehydrogenase complex flavoprotein subunit A; plus strand). Cytogenetic location: 5p15.33.
Variant type: single nucleotide variant.
Coding change: c.1413C>T on transcript NM_004168.4 (MANE Select); coding-DNA position 1413, C replaced by T.
Protein change: p.Ile471=; no amino-acid change (isoleucine 471 retained).
Molecular consequence: synonymous variant.
Genome position (GRCh38, 1-based): chr5:236,580, C>T. VCF-style: chr5-236580-C-T. GRCh37 (hg19) VCF-style: chr5-236695-C-T.
Other names: p.Ile471=; c.1269C>T, p.Ile423= (NM_001294332.2); c.1413C>T, p.Ile471= (NM_001330758.2).
Identifiers: ClinVar variation 224956 (VCV000224956.58), dbSNP rs34779890, ClinGen allele CA358577.

ClinVar aggregate classification (germline): Conflicting classifications of pathogenicity. Review status: criteria provided, conflicting classifications (1 of 4 stars). 18 submissions from 16 submitters: Uncertain significance (2); Benign (8); Likely benign (5). 3 of the submissions do not count toward it. Last evaluated 2026-10-01.

Conditions:
SDHA-related disorder. Also called: SDHA-related disorders; SDHA-related condition.
Pheochromocytoma/paraganglioma syndrome 5. Also called: SDHA-Related Hereditary Paraganglioma-Pheochromocytoma Syndrome; Paragangliomas 5. Identifiers: Orphanet 29072, MedGen C3279992, MONDO:0013602, OMIM 614165.
Mitochondrial complex II deficiency, nuclear type 1. Also called: SUCCINATE CoQ REDUCTASE DEFICIENCY. Identifiers: Orphanet 3208, MedGen C5700310, MONDO:0100294, OMIM 252011.
Hereditary cancer-predisposing syndrome. Also called: Neoplastic Syndromes, Hereditary; Tumor predisposition; Hereditary Cancer Syndrome; Hereditary neoplastic syndrome. Identifiers: Orphanet 140162, MedGen C0027672, MeSH D009386, MONDO:0015356.
Hereditary pheochromocytoma and paraganglioma. Also called: Hereditary paragangliomas and pheochromocytomas; Hereditary Paraganglioma-Pheochromocytoma Syndromes; Hereditary pheochromocytoma-paraganglioma. Identifiers: Orphanet 29072, MedGen C4274332, MONDO:0017366.
Leigh syndrome (NULS). Also called: Leigh Disease; Subacute necrotizing encephalopathy; Necrotizing encephalopathy infantile subacute of Leigh; Leigh's syndrome; LEIGH SYNDROME, NUCLEAR; Leigh Syndrome (mtDNA deletion). Identifiers: Orphanet 506, MedGen C2931891, MONDO:0009723, OMIM 256000.
Neurodegeneration with ataxia and late-onset optic atrophy. Identifiers: MedGen C5543254, MONDO:0031006, OMIM 619259.
Dilated cardiomyopathy 1GG (CMD1GG). Identifiers: Orphanet 154, MedGen C3150898, MONDO:0013339, OMIM 613642.

Allele frequency attached by ClinVar (database versions not stated): 1000 Genomes Project 0.00080; 1000 Genomes Project 30x 0.00094; ExAC 0.00220; ESP Exome Variant Server 0.00238; gnomAD 0.00256 and 0.00259; gnomAD exomes 0.00266; TOPMed 0.00286.
gnomAD v4.1: 3,225 of 1,613,996 alleles (0.2%); highest among the groups gnomAD compares: Middle Eastern, 1%; 22 homozygotes.

Submissions (18):

CeGaT Center for Human Genetics Tuebingen
Classification: Likely benign. Last evaluated: 2026-10-01. Review status: criteria provided, single submitter. Criteria: CeGaT Center For Human Genetics Tuebingen Variant Classification Criteria Version 2. Collection method: clinical testing. Allele origin: germline. Affected: yes. Observed: 28 variant alleles.
Comment: SDHA: BP4, BP7

Labcorp Genetics (formerly Invitae), Labcorp
Classification: Benign for Pheochromocytoma/paraganglioma syndrome 5; Mitochondrial complex II deficiency, nuclear type 1. Last evaluated: 2026-02-04. Review status: criteria provided, single submitter. Criteria: Invitae Variant Classification Sherloc (09022015). Collection method: clinical testing. Allele origin: germline.

ARUP Laboratories, Molecular Genetics and Genomics, ARUP Laboratories
Classification: Likely benign. Last evaluated: 2025-06-02. Review status: criteria provided, single submitter. Criteria: ARUP Molecular Germline Variant Investigation Process 2024. Collection method: clinical testing. Allele origin: germline.

Mayo Clinic Laboratories, Mayo Clinic
Classification: Likely benign. Last evaluated: 2025-05-20. Review status: criteria provided, single submitter. Criteria: ACMG Guidelines, 2015. Collection method: clinical testing. Allele origin: germline. Observed: 5 variant alleles.
Comment: BS1, BP4, BP7

Quest Diagnostics Nichols Institute San Juan Capistrano
Classification: Benign. Last evaluated: 2025-04-01. Review status: criteria provided, single submitter. Criteria: Quest Diagnostics criteria. Collection method: clinical testing. Allele origin: unknown.

Myriad Genetics, Inc.
Classification: Benign for Pheochromocytoma/paraganglioma syndrome 5. Last evaluated: 2025-03-10. Review status: criteria provided, single submitter. Criteria: Myriad Autosomal Dominant, Autosomal Recessive and X-Linked Classification Criteria (2023). Collection method: clinical testing. Allele origin: unknown.
Comment: This variant is considered benign. This variant is a silent/synonymous amino acid change and it is not expected to impact splicing.

Blueprint Genetics
Classification: Likely benign. Last evaluated: 2024-11-26. Review status: criteria provided, single submitter. Criteria: ACMG Guidelines, 2015. Collection method: clinical testing. Allele origin: germline.

KCCC/NGS Laboratory, Kuwait Cancer Control Center
Classification: Benign for Pheochromocytoma/paraganglioma syndrome 5. Last evaluated: 2023-07-07. Review status: criteria provided, single submitter. Criteria: ACMG Guidelines, 2015. Collection method: clinical testing. Allele origin: germline. Affected: yes.

Department of Pathology and Laboratory Medicine, Sinai Health System
Classification: Benign for Mitochondrial complex II deficiency, nuclear type 1; Dilated cardiomyopathy 1GG; Pheochromocytoma/paraganglioma syndrome 5; Neurodegeneration with ataxia and late-onset optic atrophy. Last evaluated: 2022-07-28. Review status: criteria provided, single submitter. Criteria: ACMG Guidelines, 2015. Collection method: clinical testing. Allele origin: germline. Affected: yes.

Genetic Services Laboratory, University of Chicago
Classification: Benign. Last evaluated: 2021-12-30. Review status: criteria provided, single submitter. Criteria: ACMG Guidelines, 2015. Collection method: clinical testing. Allele origin: germline. Affected: no.

GeneDx
Classification: Benign. Last evaluated: 2018-01-19. Review status: criteria provided, single submitter. Criteria: GeneDx Variant Classification (06012015). Collection method: clinical testing. Allele origin: germline. Affected: yes.
Comment: This variant is considered likely benign or benign based on one or more of the following criteria: it is a conservative change, it occurs at a poorly conserved position in the protein, it is predicted to be benign by multiple in silico algorithms, and/or has population frequency not consistent with disease.

Illumina Laboratory Services, Illumina
Classification: Benign for Hereditary Paraganglioma-Pheochromocytoma Syndromes. Last evaluated: 2017-04-27. Review status: criteria provided, single submitter. Criteria: ICSL Variant Classification Criteria 13 December 2019. Collection method: clinical testing. Allele origin: germline.
Comment: This variant was observed as part of a predisposition screen in an ostensibly healthy population. A literature search was performed for the gene, cDNA change, and amino acid change (where applicable). Publications were found based on this search. The evidence from the literature, in combination with allele frequency data from public databases where available, was sufficient to rule this variant out of causing disease. Therefore, this variant is classified as benign.

Illumina Laboratory Services, Illumina
Classification: Uncertain significance for Leigh syndrome. Last evaluated: 2017-04-27. Review status: criteria provided, single submitter. Criteria: ICSL Variant Classification Criteria 13 December 2019. Collection method: clinical testing. Allele origin: germline.

Illumina Laboratory Services, Illumina
Classification: Uncertain significance for Mitochondrial complex II deficiency, nuclear type 1. Last evaluated: 2017-04-27. Review status: criteria provided, single submitter. Criteria: ICSL Variant Classification Criteria 13 December 2019. Collection method: clinical testing. Allele origin: germline.

Ambry Genetics
Classification: Likely benign for Hereditary cancer-predisposing syndrome. Last evaluated: 2014-07-01. Review status: criteria provided, single submitter. Criteria: Ambry Variant Classification Scheme 2023. Collection method: clinical testing. Allele origin: germline.

PreventionGenetics, part of Exact Sciences
Classification: Benign for SDHA-related condition. Last evaluated: 2019-03-20. Review status: no assertion criteria provided. Collection method: clinical testing. Allele origin: germline. Not counted in ClinVar's aggregate classification.
Comment: This variant is classified as benign based on ACMG/AMP sequence variant interpretation guidelines (Richards et al. 2015 PMID: 25741868, with internal and published modifications).

Genome Diagnostics Laboratory, Amsterdam University Medical Center
Classification: Likely benign. Review status: no assertion criteria provided. Collection method: clinical testing. Allele origin: germline. Affected: yes. Study: VKGL Data-share Consensus. Not counted in ClinVar's aggregate classification.

Joint Genome Diagnostic Labs from Nijmegen and Maastricht, Radboudumc and MUMC+
Classification: Likely benign. Review status: no assertion criteria provided. Collection method: clinical testing. Allele origin: germline. Affected: yes. Study: VKGL Data-share Consensus. Not counted in ClinVar's aggregate classification.

Literature cited by the submitters: PubMed 17298551 (cited by Quest Diagnostics Nichols Institute San Juan Capistrano and Illumina Laboratory Services, Illumina); PubMed 28552549 (cited by Quest Diagnostics Nichols Institute San Juan Capistrano).